The following is an entry in ClinVar:

NM_001270974.2(HYDIN):c.5675G>A (p.Arg1892His)

Gene: HYDIN (HYDIN axonemal central pair apparatus protein; minus strand). Cytogenetic location: 16q22.2.
Variant type: single nucleotide variant.
Coding change: c.5675G>A on transcript NM_001270974.2 (MANE Select); coding-DNA position 5675, G replaced by A.
Protein change: p.Arg1892His; replaces arginine 1892 with histidine.
Molecular consequence: missense variant.
Genome position (GRCh38, 1-based): chr16:70,964,841, C>T on the plus strand (G>A on the coding strand, the complement: HYDIN is on the minus strand). VCF-style: chr16-70964841-C-T. GRCh37 (hg19) VCF-style: chr16-70998744-C-T.
Other names: short protein forms R1892H.
Identifiers: ClinVar variation 2646766 (VCV002646766.24), dbSNP rs783732, ClinGen allele CA283525678.

ClinVar aggregate classification (germline): Likely benign (1 of 4 stars; one submission).

Allele frequency attached by ClinVar (database versions not stated): gnomAD 0.01389; 1000 Genomes Project 30x 0.02545.

Submission:

CeGaT Center for Human Genetics Tuebingen
Classification: Likely benign. Last evaluated: 2025-12-01. Review status: criteria provided, single submitter. Criteria: CeGaT Center For Human Genetics Tuebingen Variant Classification Criteria Version 2. Collection method: clinical testing. Allele origin: germline. Affected: yes. Observed: 8 variant alleles.
Comment: HYDIN: BS1